The following is an entry in ClinVar:

ClinVar aggregate classification (germline): Uncertain significance. Review status: criteria provided, multiple submitters, no conflicts (2 of 4 stars). 2 submissions from 2 submitters: Uncertain significance (2). Last evaluated 2024-10-07.

Conditions:
Autosomal dominant nocturnal frontal lobe epilepsy 5. Also called: Epilepsy, nocturnal frontal lobe, 5; CILIARY DYSKINESIA, PRIMARY, 28, WITHOUT SITUS INVERSUS; CILIARY DYSKINESIA, PRIMARY, 28, WITH SITUS INVERSUS; KCNT1-Related Epilepsy. Identifiers: Orphanet 98784, MedGen C3554306, MONDO:0014002, OMIM 615005.
Developmental and epileptic encephalopathy, 14 (DEE14). Also called: Early infantile epileptic encephalopathy 14. Identifiers: Orphanet 293181, MedGen C3554195, MONDO:0013989, OMIM 614959.

Allele frequency attached by ClinVar (database versions not stated): TOPMed below 0.00001; gnomAD 0.00001.

Submissions (2):

Women's Health and Genetics/Laboratory Corporation of America, LabCorp
Classification: Uncertain significance. Last evaluated: 2024-10-07. Review status: criteria provided, single submitter. Criteria: LabCorp Variant Classification Summary - May 2015. Collection method: clinical testing. Allele origin: germline.
Comment: Variant summary: KCNT1 c.694C>T (p.Arg232Trp) results in a non-conservative amino acid change in the encoded protein sequence. Five of five in-silico tools predict a damaging effect of the variant on protein function. The variant was absent in 250322 control chromosomes. The available data on variant occurrences in the general population are insufficient to allow any conclusion about variant significance. To our knowledge, no occurrence of c.694C>T in individuals affected with Developmental And Epileptic Encephalopathy, 14 and no experimental evidence demonstrating its impact on protein function have been reported. ClinVar contains an entry for this variant (Variation ID: 2933403). Based on the evidence outlined above, the variant was classified as uncertain significance.

Labcorp Genetics (formerly Invitae), Labcorp
Classification: Uncertain significance for Autosomal dominant nocturnal frontal lobe epilepsy 5; Developmental and epileptic encephalopathy, 14. Last evaluated: 2023-02-14. Review status: criteria provided, single submitter. Criteria: Invitae Variant Classification Sherloc (09022015). Collection method: clinical testing. Allele origin: germline.
Comment: This variant is not present in population databases (gnomAD no frequency). In summary, the available evidence is currently insufficient to determine the role of this variant in disease. Therefore, it has been classified as a Variant of Uncertain Significance. Advanced modeling of protein sequence and biophysical properties (such as structural, functional, and spatial information, amino acid conservation, physicochemical variation, residue mobility, and thermodynamic stability) has been performed at Invitae for this missense variant, however the output from this modeling did not meet the statistical confidence thresholds required to predict the impact of this variant on KCNT1 protein function. This variant has not been reported in the literature in individuals affected with KCNT1-related conditions. This sequence change replaces arginine, which is basic and polar, with tryptophan, which is neutral and slightly polar, at codon 232 of the KCNT1 protein (p.Arg232Trp).

NM_020822.3(KCNT1):c.694C>T (p.Arg232Trp)

Gene: KCNT1 (potassium sodium-activated channel subfamily T member 1; plus strand). Cytogenetic location: 9q34.3.
Variant type: single nucleotide variant.
Coding change: c.694C>T on transcript NM_020822.3 (MANE Select); coding-DNA position 694, C replaced by T.
Protein change: p.Arg232Trp; replaces arginine 232 with tryptophan.
Molecular consequence: missense variant.
Genome position (GRCh38, 1-based): chr9:135,757,316, C>T. VCF-style: chr9-135757316-C-T. GRCh37 (hg19) VCF-style: chr9-138649162-C-T.
Other names: c.550C>T, p.Arg184Trp (NM_001272003.2); short protein forms R232W, R184W.
Identifiers: ClinVar variation 2933403 (VCV002933403.4), dbSNP rs1468077288, ClinGen allele CA375497416.